The following is an entry in ClinVar:

ClinVar aggregate classification (germline): Uncertain significance. Review status: criteria provided, multiple submitters, no conflicts (2 of 4 stars). 2 submissions from 2 submitters: Uncertain significance (2). Last evaluated 2024-05-04.

Conditions:
Charcot-Marie-Tooth disease type 2. Also called: Charcot-Marie-Tooth type 2. Identifiers: Orphanet 64746, MedGen C0270914, MONDO:0018993.

Allele frequency attached by ClinVar (database versions not stated): gnomAD exomes below 0.00001; TOPMed 0.00001.

Submissions (2):

Labcorp Genetics (formerly Invitae), Labcorp
Classification: Uncertain significance for Charcot-Marie-Tooth disease type 2. Last evaluated: 2024-05-04. Review status: criteria provided, single submitter. Criteria: Invitae Variant Classification Sherloc (09022015). Collection method: clinical testing. Allele origin: germline.
Comment: This sequence change creates a premature translational stop signal (p.Arg79*) in the GARS gene. It is expected to result in an absent or disrupted protein product. However, the current clinical and genetic evidence is not sufficient to establish whether loss-of-function variants in GARS cause disease. This variant is not present in population databases (gnomAD no frequency). This variant has not been reported in the literature in individuals affected with GARS-related conditions. ClinVar contains an entry for this variant (Variation ID: 488933). In summary, the available evidence is currently insufficient to determine the role of this variant in disease. Therefore, it has been classified as a Variant of Uncertain Significance.

GeneDx
Classification: Uncertain significance. Last evaluated: 2016-09-07. Review status: criteria provided, single submitter. Criteria: GeneDx Variant Classification (06012015). Collection method: clinical testing. Allele origin: germline. Affected: yes.
Comment: The R79X variant in the GARS gene has not been reported previously as a pathogenic variant nor as a benign variant, to our knowledge. This variant is predicted to cause loss of normal protein function either through protein truncation or nonsense-mediated mRNA decay. The R79X variant was not observed in approximately 5900 individuals of European and African American ancestry in the NHLBI Exome Sequencing Project, indicating it is not a common benign variant in these populations. We interpret R79X as a variant of uncertain significance.

NM_002047.4(GARS1):c.235C>T (p.Arg79Ter)

Gene: GARS1 (glycyl-tRNA synthetase 1; plus strand). Cytogenetic location: 7p14.3.
Variant type: single nucleotide variant.
Coding change: c.235C>T on transcript NM_002047.4 (MANE Select); coding-DNA position 235, C replaced by T.
Protein change: p.Arg79Ter; replaces arginine 79 with a stop codon.
Molecular consequence: nonsense.
Genome position (GRCh38, 1-based): chr7:30,598,808, C>T. VCF-style: chr7-30598808-C-T. GRCh37 (hg19) VCF-style: chr7-30638424-C-T.
Other names: c.235C>T (LRG_243t1); c.73C>T, p.Arg25Ter (NM_001316772.1); short protein forms R79*, R25*.
Identifiers: ClinVar variation 488933 (VCV000488933.4), dbSNP rs1479788149, ClinGen allele CA367138872.
Genomic context (GRCh38, chr7:30,598,808, plus strand): 5'-CTTAACTTCTGAAACCAATCCTGAATATAAATTCTCTTTCTTGGCTAGGGAGATCTTGTG[C>T]GAAAACTCAAAGAAGATAAAGCACCCCAAGTAGACGTAGACAAAGCAGTGGCTGAGCTCA-3'